The following is an entry in ClinVar:

NM_000051.4(ATM):c.7630-1G>C

Genes: ATM (ATM serine/threonine kinase; plus strand), C11orf65 (chromosome 11 open reading frame 65; minus strand). Cytogenetic location: 11q22.3.
Variant type: single nucleotide variant.
Coding change: c.7630-1G>C on transcript NM_000051.4 (MANE Select); the canonical splice acceptor site of the intron before coding-DNA position 7630, G replaced by C.
Molecular consequence: splice acceptor variant. On other transcripts: intron variant (2).
Genome position (GRCh38, 1-based): chr11:108,331,878, G>C. VCF-style: chr11-108331878-G-C. GRCh37 (hg19) VCF-style: chr11-108202605-G-C.
Other names: c.7630-1G>C (NM_001351834.2); c.641-22807C>G (NM_001330368.2); c.*38+3342C>G (NM_001351110.2).
Identifiers: ClinVar variation 1759901 (VCV001759901.3), dbSNP rs2086285148, ClinGen allele CA382560882.

ClinVar aggregate classification (germline): Pathogenic. Review status: criteria provided, multiple submitters, no conflicts (2 of 4 stars). 2 submissions from 2 submitters: Pathogenic (2). Last evaluated 2024-02-02.

Conditions:
Familial cancer of breast. Also called: Hereditary breast cancer; hereditary breast carcinoma; BREAST CANCER, FAMILIAL. Identifiers: Orphanet 227535, MedGen C0346153, MONDO:0016419, OMIM 114480. Disease mechanism: loss of function.
Hereditary cancer-predisposing syndrome. Also called: Hereditary neoplastic syndrome; Neoplastic Syndromes, Hereditary; Tumor predisposition; Hereditary Cancer Syndrome. Identifiers: Orphanet 140162, MedGen C0027672, MeSH D009386, MONDO:0015356.

Submissions (2):

Myriad Genetics, Inc.
Classification: Pathogenic for Familial cancer of breast. Last evaluated: 2024-02-02. Review status: criteria provided, single submitter. Criteria: Myriad Autosomal Dominant, Autosomal Recessive and X-Linked Classification Criteria (2023). Collection method: clinical testing. Allele origin: unknown.
Comment: This variant is considered pathogenic. This variant occurs within a consensus splice junction and is predicted to result in abnormal mRNA splicing of either an out-of-frame exon or an in-frame exon necessary for protein stability and/or normal function. This variant has been reported in multiple individuals with clinical features of gene-specific disease [PMID: 9443866, 9887333, 10330348]. Functional studies indicate this variant impacts protein function [PMID: 9443866, 9887333, 10330348].

Ambry Genetics
Classification: Pathogenic for Hereditary cancer-predisposing syndrome. Last evaluated: 2022-12-14. Review status: criteria provided, single submitter. Criteria: Ambry Variant Classification Scheme 2023. Collection method: clinical testing. Allele origin: germline.
Comment: The c.7630-1G>C intronic variant results from a G to C substitution one nucleotide upstream from coding exon 51 of the ATM gene. This nucleotide position is highly conserved in available vertebrate species. In silico splice site analysis predicts that this alteration will weaken the native splice acceptor site and may result in the creation or strengthening of a novel splice acceptor site. RNA studies have demonstrated that this alteration results in abnormal splicing in the set of samples tested (Ambry internal data). Another alteration impacting the same acceptor site (c.7630-2A>C) has been shown to have a similar impact on splicing and has been detected in numerous individuals with ataxia telangiectasia and has been shown (Sandoval N et al. Hum. Mol. Genet. 1999 Jan;8:69-79; Teraoka S et al. Am J Hum Genet. 1999 Jun;64(6):1617-31; Coutinho G et al. Am. J. Med. Genet. A. 2004 Apr;126A:33-40; Soukupova J et al. Neuromolecular Med. 2011 Sep;13:204-11; Nespoli L et al. Case Reports Immunol, 2013 Oct;2013:296827; Podralska MJ et al. Mol Genet Genomic Med. 2014 Nov;2:504-11). Alterations that disrupt the canonical splice site are expected to cause aberrant splicing, resulting in an abnormal protein or a transcript that is subject to nonsense-mediated mRNA decay. Based on the supporting evidence, this alteration is interpreted as a disease-causing mutation.

Literature cited by the submitters: PubMed 9443866 (cited by Myriad Genetics, Inc.); PubMed 9887333 (cited by Myriad Genetics, Inc.); PubMed 10330348 (cited by Myriad Genetics, Inc.).